The following is an entry in ClinVar:

NM_001384474.1(LOXHD1):c.4923G>A (p.Ala1641=)

Gene: LOXHD1 (lipoxygenase homology PLAT domains 1; minus strand). Cytogenetic location: 18q21.1.
Variant type: single nucleotide variant.
Coding change: c.4923G>A on transcript NM_001384474.1 (MANE Select); coding-DNA position 4923, G replaced by A.
Protein change: p.Ala1641=; no amino-acid change (alanine 1641 retained).
Molecular consequence: synonymous variant.
Genome position (GRCh38, 1-based): chr18:46,522,263, C>T on the plus strand (G>A on the coding strand, the complement: LOXHD1 is on the minus strand). VCF-style: chr18-46522263-C-T. GRCh37 (hg19) VCF-style: chr18-44102226-C-T.
Other names: c.1590G>A, p.Ala530= (NM_001145472.3); c.1302G>A, p.Ala434= (NM_001308013.2); c.4923G>A, p.Ala1641= (NM_144612.7).
Identifiers: ClinVar variation 517413 (VCV000517413.14), dbSNP rs761707142, ClinGen allele CA8952278.

ClinVar aggregate classification (germline): Likely benign. Review status: criteria provided, multiple submitters, no conflicts (2 of 4 stars). 2 submissions from 2 submitters: Likely benign (2). Last evaluated 2024-01-21.

Allele frequency attached by ClinVar (database versions not stated): TOPMed 0.00005; ExAC 0.00013.
gnomAD v4.1: 72 of 1,551,666 alleles (0.0046%); highest among the groups gnomAD compares: Non-Finnish European, 0.0053%; no homozygotes.

Submissions (2):

Labcorp Genetics (formerly Invitae), Labcorp
Classification: Likely benign. Last evaluated: 2024-01-21. Review status: criteria provided, single submitter. Criteria: Invitae Variant Classification Sherloc (09022015). Collection method: clinical testing. Allele origin: germline.

Laboratory for Molecular Medicine, Mass General Brigham Personalized Medicine
Classification: Likely benign. Last evaluated: 2017-07-10. Review status: criteria provided, single submitter. Criteria: LMM Criteria. Collection method: clinical testing. Allele origin: germline. Observed: 1 variant allele.
Comment: p.Ala1641Ala in exon 32 of LOXHD1: This variant is not expected to have clinical significance because it does not alter an amino acid residue and is not located within the splice consensus sequence. It has been identified in 4/58304 Europea n chromosomes by the Genome Aggregation Database (gnomAD; no dbSNP).